The following is an entry in ClinVar:

NM_002227.4(JAK1):c.2905C>A (p.Pro969Thr)

Gene: JAK1 (Janus kinase 1; minus strand). Cytogenetic location: 1p31.3.
Variant type: single nucleotide variant.
Coding change: c.2905C>A on transcript NM_002227.4 (MANE Select); coding-DNA position 2905, C replaced by A.
Protein change: p.Pro969Thr; replaces proline 969 with threonine.
Molecular consequence: missense variant.
Genome position (GRCh38, 1-based): chr1:64,838,527, G>T on the plus strand (C>A on the coding strand, the complement: JAK1 is on the minus strand). VCF-style: chr1-64838527-G-T. GRCh37 (hg19) VCF-style: chr1-65304210-G-T.
Other names: c.2905C>A, p.Pro969Thr (NM_001320923.2, NM_001321852.2, NM_001321853.2 and 3 more transcripts); c.2902C>A, p.Pro968Thr (NM_001321857.2); short protein forms P968T, P969T.
Identifiers: ClinVar variation 3702336 (VCV003702336.2).
Genomic context (GRCh38, chr1:64,838,527, plus strand): 5'-TACAAATCTGAACGGCATATTTTAGCTGCTGTTTGAGGTTTATTTTGTTCTTATTCTTTG[G>T]AAGATATTCCTTAAGGCTTCCCGAAGGCAGAAATTCCATGATGAGCTTAATACCATTTCC-3'
Protein context (NP_002218.2, residues 959-979): LPSGSLKEYL[Pro969Thr]KNKNKINLKQ

ClinVar aggregate classification (germline): Uncertain significance (1 of 4 stars; one submission).

gnomAD v4.1: 7 of 1,613,528 alleles (0.00043%); highest among the groups gnomAD compares: Non-Finnish European, 0.00059%; no homozygotes.

Submission:

Labcorp Genetics (formerly Invitae), Labcorp
Classification: Uncertain significance. Last evaluated: 2024-02-18. Review status: criteria provided, single submitter. Criteria: Invitae Variant Classification Sherloc (09022015). Collection method: clinical testing. Allele origin: germline.
Comment: This sequence change replaces proline, which is neutral and non-polar, with threonine, which is neutral and polar, at codon 969 of the JAK1 protein (p.Pro969Thr). This variant is present in population databases (no rsID available, gnomAD 0.004%). This variant has not been reported in the literature in individuals affected with JAK1-related conditions. Advanced modeling of protein sequence and biophysical properties (such as structural, functional, and spatial information, amino acid conservation, physicochemical variation, residue mobility, and thermodynamic stability) performed at Invitae indicates that this missense variant is not expected to disrupt JAK1 protein function with a negative predictive value of 80%. In summary, the available evidence is currently insufficient to determine the role of this variant in disease. Therefore, it has been classified as a Variant of Uncertain Significance.